The following is an entry in ClinVar:

ClinVar aggregate classification (germline): Uncertain significance (1 of 4 stars; one submission).

Conditions:
Orthostatic hypotension 1 (ORTHYP1). Also called: NORADRENALINE DEFICIENCY; NOREPINEPHRINE DEFICIENCY; Dopamine beta-hydroxylase deficiency; Orthostatic hypotension 1, due to DBH deficiency. Identifiers: Orphanet 230, MedGen C4746777, MONDO:0009123, OMIM 223360.

Submission:

Labcorp Genetics (formerly Invitae), Labcorp
Classification: Uncertain significance for Orthostatic hypotension 1. Last evaluated: 2021-11-20. Review status: criteria provided, single submitter. Criteria: Invitae Variant Classification Sherloc (09022015). Collection method: clinical testing. Allele origin: germline.
Comment: This variant has not been reported in the literature in individuals affected with DBH-related conditions. This variant is not present in population databases (gnomAD no frequency). This sequence change replaces lysine, which is basic and polar, with arginine, which is basic and polar, at codon 82 of the DBH protein (p.Lys82Arg). Algorithms developed to predict the effect of missense changes on protein structure and function output the following: SIFT: "Tolerated"; PolyPhen-2: "Benign"; Align-GVGD: "Class C0". The arginine amino acid residue is found in multiple mammalian species, which suggests that this missense change does not adversely affect protein function. In summary, the available evidence is currently insufficient to determine the role of this variant in disease. Therefore, it has been classified as a Variant of Uncertain Significance.

NM_000787.4(DBH):c.245A>G (p.Lys82Arg)

Gene: DBH (dopamine beta-hydroxylase; plus strand). Cytogenetic location: 9q34.2.
Variant type: single nucleotide variant.
Coding change: c.245A>G on transcript NM_000787.4 (MANE Select); coding-DNA position 245, A replaced by G.
Protein change: p.Lys82Arg; replaces lysine 82 with arginine.
Molecular consequence: missense variant.
Genome position (GRCh38, 1-based): chr9:133,636,616, A>G. VCF-style: chr9-133636616-A-G. GRCh37 (hg19) VCF-style: chr9-136501738-A-G.
Other names: short protein forms K82R.
Identifiers: ClinVar variation 1409262 (VCV001409262.6), dbSNP rs2131281279, ClinGen allele CA375407694.